The following is an entry in ClinVar:

ClinVar aggregate classification (germline): Likely pathogenic (1 of 4 stars; one submission).

Conditions:
Congenital disorder of deglycosylation (CDDG). Identifiers: MedGen C3808991, MONDO:0031376.

Submission:

Labcorp Genetics (formerly Invitae), Labcorp
Classification: Likely pathogenic for Congenital disorder of deglycosylation. Last evaluated: 2024-11-18. Review status: criteria provided, single submitter. Criteria: Invitae Variant Classification Sherloc (09022015). Collection method: clinical testing. Allele origin: germline.
Comment: This sequence change affects a donor splice site in intron 10 of the NGLY1 gene. It is expected to disrupt RNA splicing. Variants that disrupt the donor or acceptor splice site typically lead to a loss of protein function (PMID: 16199547), and loss-of-function variants in NGLY1 are known to be pathogenic (PMID: 24651605). This variant is not present in population databases (gnomAD no frequency). This variant has not been reported in the literature in individuals affected with NGLY1-related conditions. Algorithms developed to predict the effect of sequence changes on RNA splicing suggest that this variant may disrupt the consensus splice site. In summary, the currently available evidence indicates that the variant is pathogenic, but additional data are needed to prove that conclusively. Therefore, this variant has been classified as Likely Pathogenic.

Literature cited by the submitters: PubMed 16199547; PubMed 24651605.

NM_018297.4(NGLY1):c.1611+1G>T

Gene: NGLY1 (N-glycanase 1; minus strand). Cytogenetic location: 3p24.2.
Variant type: single nucleotide variant.
Coding change: c.1611+1G>T on transcript NM_018297.4 (MANE Select); the canonical splice donor site of the intron after coding-DNA position 1611, G replaced by T.
Molecular consequence: splice donor variant.
Genome position (GRCh38, 1-based): chr3:25,729,132, C>A on the plus strand (G>T on the coding strand, the complement: NGLY1 is on the minus strand). VCF-style: chr3-25729132-C-A. GRCh37 (hg19) VCF-style: chr3-25770623-C-A.
Other names: c.1485+1G>T (NM_001145294.2); c.1611+1G>T (NM_001145295.2); c.1557+1G>T (NM_001145293.2).
Identifiers: ClinVar variation 3640040 (VCV003640040.2).